The following is an entry in ClinVar:

ClinVar aggregate classification (germline): Likely pathogenic (1 of 4 stars; one submission).

Conditions:
Duchenne muscular dystrophy (DMD). Also called: MUSCULAR DYSTROPHY, PSEUDOHYPERTROPHIC PROGRESSIVE, DUCHENNE TYPE; Duchenne Muscular Dystrophy (DMD). Identifiers: Orphanet 98896, MedGen C0013264, MONDO:0010679, OMIM 310200.

Submission:

Labcorp Genetics (formerly Invitae), Labcorp
Classification: Likely pathogenic for Duchenne muscular dystrophy. Last evaluated: 2021-08-29. Review status: criteria provided, single submitter. Criteria: Invitae Variant Classification Sherloc (09022015). Collection method: clinical testing. Allele origin: germline.
Comment: This variant results in a copy number gain of the genomic region encompassing exon(s) 68-71 of the DMD gene. While the exact position of this variant cannot be determined from the data, sub-genic copy number gains are generally in tandem (PMID: 25640679). This variant is predicted to be out-of-frame, and may result in an absent or disrupted protein product. Loss-of-function variants in DMD are known to be pathogenic (PMID: 16770791, 25007885). This variant has not been reported in the literature in individuals affected with DMD-related conditions. In summary, the currently available evidence indicates that the variant is pathogenic, but additional data are needed to prove that conclusively. Therefore, this variant has been classified as Likely Pathogenic.

Literature cited by the submitters: PubMed 25640679; PubMed 16770791; PubMed 25007885.

NC_000023.10:g.(?_31196029)_(31201041_?)dup

Gene: DMD (dystrophin; minus strand). Cytogenetic location: Xp21.2.
Variant type: Duplication.
Identifiers: ClinVar variation 455795 (VCV000455795.2).